The following is an entry in ClinVar:

ClinVar aggregate classification (germline): Uncertain significance (1 of 4 stars; one submission).

Conditions:
Neurodegeneration with brain iron accumulation 6 (NBIA6). Also called: COASY protein-associated neurodegeneration. Identifiers: Orphanet 397725, MedGen C4517377, MONDO:0014290, OMIM 615643.

Allele frequency attached by ClinVar (database versions not stated): TOPMed below 0.00001.

Submission:

Labcorp Genetics (formerly Invitae), Labcorp
Classification: Uncertain significance for Neurodegeneration with brain iron accumulation 6. Last evaluated: 2023-10-03. Review status: criteria provided, single submitter. Criteria: Invitae Variant Classification Sherloc (09022015). Collection method: clinical testing. Allele origin: germline.
Comment: This sequence change replaces cysteine, which is neutral and slightly polar, with arginine, which is basic and polar, at codon 467 of the COASY protein (p.Cys467Arg). This variant is not present in population databases (gnomAD no frequency). This variant has not been reported in the literature in individuals affected with COASY-related conditions. ClinVar contains an entry for this variant (Variation ID: 2082124). Advanced modeling of protein sequence and biophysical properties (such as structural, functional, and spatial information, amino acid conservation, physicochemical variation, residue mobility, and thermodynamic stability) has been performed at Invitae for this missense variant, however the output from this modeling did not meet the statistical confidence thresholds required to predict the impact of this variant on COASY protein function. In summary, the available evidence is currently insufficient to determine the role of this variant in disease. Therefore, it has been classified as a Variant of Uncertain Significance.

NM_025233.7(COASY):c.1399T>C (p.Cys467Arg)

Gene: COASY (Coenzyme A synthase; plus strand). Cytogenetic location: 17q21.2.
Variant type: single nucleotide variant.
Coding change: c.1399T>C on transcript NM_025233.7 (MANE Select); coding-DNA position 1399, T replaced by C.
Protein change: p.Cys467Arg; replaces cysteine 467 with arginine.
Molecular consequence: missense variant.
Genome position (GRCh38, 1-based): chr17:42,565,482, T>C. VCF-style: chr17-42565482-T-C. GRCh37 (hg19) VCF-style: chr17-40717500-T-C.
Other names: c.1399T>C, p.Cys467Arg (NM_001042529.3); c.1486T>C, p.Cys496Arg (NM_001042532.4); short protein forms C496R, C467R.
Identifiers: ClinVar variation 2082124 (VCV002082124.4), dbSNP rs2092998723, ClinGen allele CA399599212.